The following is an entry in ClinVar:

NM_000618.5(IGF1):c.293G>A (p.Arg98Gln)

Genes: IGF1 (insulin like growth factor 1; minus strand), LINC02456 (long intergenic non-protein coding RNA 2456; plus strand). Cytogenetic location: 12q23.2.
Variant type: single nucleotide variant.
Coding change: c.293G>A on transcript NM_000618.5 (MANE Select); coding-DNA position 293, G replaced by A.
Protein change: p.Arg98Gln; replaces arginine 98 with glutamine.
Molecular consequence: missense variant.
Genome position (GRCh38, 1-based): chr12:102,419,618, C>T on the plus strand (G>A on the coding strand, the complement: IGF1 is on the minus strand). VCF-style: chr12-102419618-C-T. GRCh37 (hg19) VCF-style: chr12-102813396-C-T.
Other names: c.293G>A, p.Arg98Gln (NM_001111283.3, NM_001111285.3); c.245G>A, p.Arg82Gln (NM_001111284.2); short protein forms R98Q, R82Q.
Identifiers: ClinVar variation 1345538 (VCV001345538.6), dbSNP rs1316717107, ClinGen allele CA386492638.

ClinVar aggregate classification (germline): Uncertain significance (1 of 4 stars; one submission).

Allele frequency attached by ClinVar (database versions not stated): gnomAD 0.00003 and 0.00004; gnomAD exomes 0.00001; TOPMed 0.00001.
gnomAD v4.1: 22 of 1,613,586 alleles (0.0014%); highest among the groups gnomAD compares: African/African-American, 0.004%; no homozygotes.

Submission:

Labcorp Genetics (formerly Invitae), Labcorp
Classification: Uncertain significance. Last evaluated: 2023-10-13. Review status: criteria provided, single submitter. Criteria: Invitae Variant Classification Sherloc (09022015). Collection method: clinical testing. Allele origin: germline.
Comment: This sequence change replaces arginine, which is basic and polar, with glutamine, which is neutral and polar, at codon 98 of the IGF1 protein (p.Arg98Gln). This variant is present in population databases (no rsID available, gnomAD 0.008%). This variant has not been reported in the literature in individuals affected with IGF1-related conditions. ClinVar contains an entry for this variant (Variation ID: 1345538). An algorithm developed to predict the effect of missense changes on protein structure and function (PolyPhen-2) suggests that this variant is likely to be tolerated. In summary, the available evidence is currently insufficient to determine the role of this variant in disease. Therefore, it has been classified as a Variant of Uncertain Significance.